The following is an entry in ClinVar:

ClinVar aggregate classification (germline): Uncertain significance. Review status: criteria provided, multiple submitters, no conflicts (2 of 4 stars). 2 submissions from 2 submitters: Uncertain significance (2). Last evaluated 2018-11-09.

Conditions:
Epileptic encephalopathy. Identifiers: MedGen C0543888, HP:0200134.

Allele frequency attached by ClinVar (database versions not stated): ExAC 0.00001; gnomAD exomes 0.00001.
gnomAD v4.1: 9 of 1,612,494 alleles (0.00056%); highest among the groups gnomAD compares: Admixed American, 0.0033%; no homozygotes.

Submissions (2):

Labcorp Genetics (formerly Invitae), Labcorp
Classification: Uncertain significance for Epileptic encephalopathy. Last evaluated: 2018-11-09. Review status: criteria provided, single submitter. Criteria: Invitae Variant Classification Sherloc (09022015). Collection method: clinical testing. Allele origin: germline.
Comment: This sequence change replaces proline with leucine at codon 1267 of the RYR3 protein (p.Pro1267Leu). The proline residue is highly conserved and there is a moderate physicochemical difference between proline and leucine. This variant is present in population databases (rs768607761, ExAC 0.009%). This variant has not been reported in the literature in individuals with RYR3-related disease. Algorithms developed to predict the effect of missense changes on protein structure and function (SIFT, PolyPhen-2, Align-GVGD) all suggest that this variant is likely to be disruptive, but these predictions have not been confirmed by published functional studies and their clinical significance is uncertain. In summary, the available evidence is currently insufficient to determine the role of this variant in disease. Therefore, it has been classified as a Variant of Uncertain Significance.

CeGaT Center for Human Genetics Tuebingen
Classification: Uncertain significance. Last evaluated: 2017-12-01. Review status: criteria provided, single submitter. Criteria: CeGaT Center For Human Genetics Tuebingen Variant Classification Criteria Version 2. Collection method: clinical testing. Allele origin: germline. Affected: yes. Observed: 1 variant allele.

NM_001036.6(RYR3):c.3800C>T (p.Pro1267Leu)

Gene: RYR3 (ryanodine receptor 3; plus strand). Cytogenetic location: 15q14.
Variant type: single nucleotide variant.
Coding change: c.3800C>T on transcript NM_001036.6 (MANE Select); coding-DNA position 3800, C replaced by T.
Protein change: p.Pro1267Leu; replaces proline 1267 with leucine.
Molecular consequence: missense variant.
Genome position (GRCh38, 1-based): chr15:33,646,385, C>T. VCF-style: chr15-33646385-C-T. GRCh37 (hg19) VCF-style: chr15-33938586-C-T.
Other names: c.3800C>T, p.Pro1267Leu (NM_001243996.4); short protein forms P1267L.
Identifiers: ClinVar variation 662096 (VCV000662096.43), dbSNP rs768607761, ClinGen allele CA7458792.
Genomic context (GRCh38, chr15:33,646,385, plus strand): 5'-AAGGTAAGGACTCGTCCTGTTTCCAGGTCATGAGGATTGATGGCACCATGGACAGCCCTC[C>T]GTGTCTCAAGGTGACGCATAAGACATTTGGCACACAGAATAGCAATGCCGACATGATCTA-3'
Protein context (NP_001027.3, residues 1257-1277): MRIDGTMDSP[Pro1267Leu]CLKVTHKTFG